The following is an entry in ClinVar:

NM_001376.5(DYNC1H1):c.1043C>T (p.Thr348Met)

Gene: DYNC1H1 (dynein cytoplasmic 1 heavy chain 1; plus strand). Cytogenetic location: 14q32.31.
Variant type: single nucleotide variant.
Coding change: c.1043C>T on transcript NM_001376.5 (MANE Select); coding-DNA position 1043, C replaced by T.
Protein change: p.Thr348Met; replaces threonine 348 with methionine.
Molecular consequence: missense variant.
Genome position (GRCh38, 1-based): chr14:101,983,100, C>T. VCF-style: chr14-101983100-C-T. GRCh37 (hg19) VCF-style: chr14-102449437-C-T.
Other names: short protein forms T348M.
Identifiers: ClinVar variation 663396 (VCV000663396.11), dbSNP rs372041146, ClinGen allele CA7351635.

ClinVar aggregate classification (germline): Uncertain significance. Review status: criteria provided, multiple submitters, no conflicts (2 of 4 stars). 2 submissions from 2 submitters: Uncertain significance (2). Last evaluated 2025-04-22.

Conditions:
DYNC1H1-related disorder. Also called: DYNC1H1-related condition; DYNC1H1-related disorders. Identifiers: MedGen CN381529.
Charcot-Marie-Tooth disease axonal type 2O. Also called: CHARCOT-MARIE-TOOTH NEUROPATHY, AXONAL, TYPE 2O; CHARCOT-MARIE-TOOTH DISEASE, AXONAL, AUTOSOMAL DOMINANT, TYPE 2O; Charcot-Marie-Tooth Neuropathy Type 2O; Charcot-Marie-Tooth disease, axonal, type 20. Identifiers: Orphanet 284232, MedGen C3280220, MONDO:0013644, OMIM 614228.

Allele frequency attached by ClinVar (database versions not stated): gnomAD exomes below 0.00001 and 0.00001; ExAC 0.00001; TOPMed 0.00001; gnomAD 0.00003; ESP Exome Variant Server 0.00008.

Submissions (2):

Labcorp Genetics (formerly Invitae), Labcorp
Classification: Uncertain significance for Charcot-Marie-Tooth disease axonal type 2O. Last evaluated: 2025-04-22. Review status: criteria provided, single submitter. Criteria: Invitae Variant Classification Sherloc (09022015). Collection method: clinical testing. Allele origin: germline.
Comment: This sequence change replaces threonine, which is neutral and polar, with methionine, which is neutral and non-polar, at codon 348 of the DYNC1H1 protein (p.Thr348Met). This variant is present in population databases (rs372041146, gnomAD 0.007%). This variant has not been reported in the literature in individuals affected with DYNC1H1-related conditions. ClinVar contains an entry for this variant (Variation ID: 663396). Invitae Evidence Modeling of protein sequence and biophysical properties (such as structural, functional, and spatial information, amino acid conservation, physicochemical variation, residue mobility, and thermodynamic stability) indicates that this missense variant is expected to disrupt DYNC1H1 protein function with a positive predictive value of 95%. In summary, the available evidence is currently insufficient to determine the role of this variant in disease. Therefore, it has been classified as a Variant of Uncertain Significance.

PreventionGenetics, part of Exact Sciences
Classification: Uncertain significance for DYNC1H1-related condition. Last evaluated: 2024-12-12. Review status: criteria provided, single submitter. Criteria: ACMG Guidelines, 2015. Collection method: clinical testing. Allele origin: germline.
Comment: The DYNC1H1 c.1043C>T variant is predicted to result in the amino acid substitution p.Thr348Met. To our knowledge, this variant has not been reported in the literature. This variant is reported in 0.0062% of alleles in individuals of African descent in gnomAD. At this time, the clinical significance of this variant is uncertain due to the absence of conclusive functional and genetic evidence.